The following is an entry in ClinVar:

NM_000176.3(NR3C1):c.1489del (p.Lys496_Ile497insTer)

Gene: NR3C1 (nuclear receptor subfamily 3 group C member 1; minus strand). Cytogenetic location: 5q31.3.
Variant type: Deletion.
Coding change: c.1489del on transcript NM_000176.3 (MANE Select); coding-DNA position 1489, one base deleted (A; older notation c.1489delA).
Protein change: p.Lys496_Ile497insTer.
Molecular consequence: nonsense. On other transcripts: non-coding transcript variant (1).
Genome position (GRCh38, 1-based): chr5:143,300,743, T deleted on the plus strand (A on the coding strand, the reverse complement: NR3C1 is on the minus strand); the first of 7 consecutive T bases (chr5:143,300,743-143,300,749); deleting any one gives the same sequence. VCF-style (leftmost placement, unchanged base first): chr5-143300742-AT-A. GRCh37 (hg19) VCF-style: chr5-142680307-AT-A.
Other names: c.1489delA (NM_001018077.1); c.1489del, p.Lys496_Ile497insTer (NM_001018074.1, NM_001018075.1, NM_001018076.2 and 6 more transcripts); c.1492del, p.Lys497_Ile498insTer (NM_001024094.2, NM_001364183.2, NM_001364184.2 and 1 more transcripts); c.1411del, p.Lys470_Ile471insTer (NM_001204258.2); c.1234del, p.Lys411_Ile412insTer (NM_001204259.2); c.1222del, p.Lys407_Ile408insTer (NM_001204260.2); c.1198del, p.Lys399_Ile400insTer (NM_001204261.2); c.544del, p.Lys181_Ile182insTer (NM_001204262.2); and 2 more.
Identifiers: ClinVar variation 4992816 (VCV004992816.1).

ClinVar aggregate classification (germline): Likely pathogenic (1 of 4 stars; one submission).

Conditions:
NR3C1-related disorder. Also called: NR3C1-related condition.

Submission:

PreventionGenetics, part of Exact Sciences
Classification: Likely pathogenic for NR3C1-related condition. Last evaluated: 2026-09-24. Review status: criteria provided, single submitter. Criteria: ACMG Guidelines, 2015. Collection method: clinical testing. Allele origin: germline.
Comment: The NR3C1 c.1489delA variant is predicted to result in premature protein termination (p.Ile497*). To our knowledge, this variant has not been reported in the literature or in a large population database (gnomAD), indicating this variant is rare. This variant is interpreted as likely pathogenic.